The following is an entry in ClinVar:

ClinVar aggregate classification (germline): Uncertain significance. Review status: criteria provided, multiple submitters, no conflicts (2 of 4 stars). 2 submissions from 2 submitters: Uncertain significance (2). Last evaluated 2022-07-12.

Conditions:
Cohen syndrome (COH1). Also called: PEPPER SYNDROME; Cutis verticis gyrata, retinitis pigmentosa, and sensorineural deafness. Identifiers: Orphanet 193, MedGen C0265223, MONDO:0008999, OMIM 216550.

Allele frequency attached by ClinVar (database versions not stated): gnomAD exomes below 0.00001; TOPMed below 0.00001; ExAC 0.00001.
gnomAD v4.1: 4 of 1,613,684 alleles (0.00025%); highest among the groups gnomAD compares: Non-Finnish European, 0.00034%; no homozygotes.

Submissions (2):

Labcorp Genetics (formerly Invitae), Labcorp
Classification: Uncertain significance for Cohen syndrome. Last evaluated: 2022-07-12. Review status: criteria provided, single submitter. Criteria: Invitae Variant Classification Sherloc (09022015). Collection method: clinical testing. Allele origin: germline.
Comment: This sequence change replaces alanine, which is neutral and non-polar, with glycine, which is neutral and non-polar, at codon 2437 of the VPS13B protein (p.Ala2437Gly). This variant is present in population databases (rs780093448, gnomAD 0.0009%). This variant has not been reported in the literature in individuals affected with VPS13B-related conditions. ClinVar contains an entry for this variant (Variation ID: 909413). Algorithms developed to predict the effect of missense changes on protein structure and function are either unavailable or do not agree on the potential impact of this missense change (SIFT: "Not Available"; PolyPhen-2: "Benign"; Align-GVGD: "Not Available"). Algorithms developed to predict the effect of sequence changes on RNA splicing suggest that this variant may create or strengthen a splice site. In summary, the available evidence is currently insufficient to determine the role of this variant in disease. Therefore, it has been classified as a Variant of Uncertain Significance.

Illumina Laboratory Services, Illumina
Classification: Uncertain significance for Cohen syndrome. Last evaluated: 2018-01-13. Review status: criteria provided, single submitter. Criteria: ICSL Variant Classification Criteria 13 December 2019. Collection method: clinical testing. Allele origin: germline.

NM_152564.5(VPS13B):c.7235C>G (p.Ala2412Gly)

Gene: VPS13B (vacuolar protein sorting 13 homolog B; plus strand). Cytogenetic location: 8q22.2.
Variant type: single nucleotide variant.
Coding change: c.7235C>G on transcript NM_152564.5 (MANE Select); coding-DNA position 7235, C replaced by G.
Protein change: p.Ala2412Gly; replaces alanine 2412 with glycine.
Molecular consequence: missense variant.
Genome position (GRCh38, 1-based): chr8:99,766,958, C>G. VCF-style: chr8-99766958-C-G. GRCh37 (hg19) VCF-style: chr8-100779186-C-G.
Other names: c.7310C>G, p.Ala2437Gly (NM_017890.5); short protein forms A2437G, A2412G.
Identifiers: ClinVar variation 909413 (VCV000909413.10), dbSNP rs780093448, ClinGen allele CA4824169.